The following is an entry in ClinVar:

NM_001267550.2(TTN):c.29305T>C (p.Tyr9769His)

Gene: TTN (titin; minus strand). Cytogenetic location: 2q31.2.
Variant type: single nucleotide variant.
Coding change: c.29305T>C on transcript NM_001267550.2 (MANE Select); coding-DNA position 29305, T replaced by C.
Protein change: p.Tyr9769His; replaces tyrosine 9769 with histidine.
Molecular consequence: missense variant. On other transcripts: intron variant (3).
Genome position (GRCh38, 1-based): chr2:178,706,569, A>G on the plus strand (T>C on the coding strand, the complement: TTN is on the minus strand). VCF-style: chr2-178706569-A-G. GRCh37 (hg19) VCF-style: chr2-179571296-A-G.
Other names: c.29305T>C (NM_001267550.1); c.28354T>C, p.Tyr9452His (NM_001256850.1); c.25573T>C, p.Tyr8525His (NM_133378.4); c.13282+31513T>C (NM_003319.4); c.13858+31513T>C (NM_133437.4); c.13657+31513T>C (NM_133432.3); short protein forms Y9452H, Y9769H, Y8525H.
Identifiers: ClinVar variation 691753 (VCV000691753.2), dbSNP rs778087108, ClinGen allele CA1999412.
Genomic context (GRCh38, chr2:178,706,569, plus strand): 5'-CCACCTGTAAGTTAACATTACTTTCAATTTCACCATGTTCGTTAAATGCCACGCATCGGT[A>G]TAACCCAGAATCAGTTTTTGTGGTGTCCCTAATCTCCAGTTTTGCTTCATCGCCTTTTTG-3'
Protein context (NP_001254479.2, residues 9759-9779): RDTTKTDSGL[Tyr9769His]RCVAFNEHGE

ClinVar aggregate classification (germline): Conflicting classifications of pathogenicity. Review status: criteria provided, conflicting classifications (1 of 4 stars). 2 submissions from 2 submitters: Uncertain significance (1); Likely benign (1). Last evaluated 2025-06-02.

Conditions:
Cardiomyopathy (CMYO). Also called: Cardiomyopathies. Identifiers: Orphanet 167848, MedGen C0878544, MONDO:0004994, HP:0001638. Inheritance: Various modes of inheritance.

Allele frequency attached by ClinVar (database versions not stated): gnomAD exomes below 0.00001 and 0.00001; ExAC 0.00001; gnomAD 0.00001; TOPMed 0.00001.
gnomAD v4.1: 5 of 1,613,832 alleles (0.00031%); highest among the groups gnomAD compares: African/African-American, 0.004%; no homozygotes.

Submissions (2):

GeneDx
Classification: Uncertain significance. Last evaluated: 2025-06-02. Review status: criteria provided, single submitter. Criteria: GeneDx Variant Classification Process June 2021. Collection method: clinical testing. Allele origin: germline. Affected: yes.
Comment: Not observed at significant frequency in large population cohorts (gnomAD); Missense variant in a gene in which most reported pathogenic variants are truncating/loss of function; Has not been previously published as pathogenic or benign to our knowledge

Center for Advanced Laboratory Medicine, UC San Diego Health, University of California San Diego
Classification: Likely benign for Cardiomyopathy. Last evaluated: 2019-06-03. Review status: criteria provided, single submitter. Criteria: ACMG Guidelines, 2015. Collection method: clinical testing. Allele origin: germline. Affected: yes. Observed: 1 variant allele.